The following is an entry in ClinVar:

ClinVar aggregate classification (germline): Uncertain significance (1 of 4 stars; one submission).

Submission:

Ambry Genetics
Classification: Uncertain significance. Last evaluated: 2025-04-24. Review status: criteria provided, single submitter. Criteria: Ambry Variant Classification Scheme 2023. Collection method: clinical testing. Allele origin: germline.
Comment: The p.P65S variant (also known as c.193C>T), located in coding exon 2 of the RECQL gene, results from a C to T substitution at nucleotide position 193. The proline at codon 65 is replaced by serine, an amino acid with similar properties. This amino acid position is conserved. In addition, this alteration is predicted to be tolerated by in silico analysis. Based on the available evidence, the clinical significance of this variant remains unclear.

NM_002907.4(RECQL):c.193C>T (p.Pro65Ser)

Gene: RECQL (RecQ like helicase; minus strand). Cytogenetic location: 12p12.1.
Variant type: single nucleotide variant.
Coding change: c.193C>T on transcript NM_002907.4 (MANE Select); coding-DNA position 193, C replaced by T.
Protein change: p.Pro65Ser; replaces proline 65 with serine.
Molecular consequence: missense variant.
Genome position (GRCh38, 1-based): chr12:21,491,540, G>A on the plus strand (C>T on the coding strand, the complement: RECQL is on the minus strand). VCF-style: chr12-21491540-G-A. GRCh37 (hg19) VCF-style: chr12-21644474-G-A.
Other names: c.193C>T, p.Pro65Ser (NM_032941.3); short protein forms P65S.
Identifiers: ClinVar variation 3944210 (VCV003944210.1).
Genomic context (GRCh38, chr12:21,491,540, plus strand): 5'-AGAAATAAAACTAGCAAAAAAAAAAAAAAAAAAGTTAACCTTCTTTATTCCAAGCGGCAG[G>A]TGAAGAATCATATTCATTGCTTGCCCCGGCATCAGAATCCTCTAAACACTGCTTTATTTT-3'
Protein context (NP_002898.2, residues 55-75): AGASNEYDSS[Pro65Ser]AAWNKEDFPW